The following is an entry in ClinVar:

ClinVar aggregate classification (germline): Uncertain significance. Review status: criteria provided, multiple submitters, no conflicts (2 of 4 stars). 2 submissions from 2 submitters: Uncertain significance (2). Last evaluated 2025-06-30.

Conditions:
Long QT syndrome (LQTS). Identifiers: MedGen C0023976, MeSH D008133, MONDO:0002442. Disease mechanism: loss of function. Inheritance: Various modes of inheritance.
Cardiovascular phenotype. Identifiers: MedGen CN230736.

Submissions (2):

Ambry Genetics
Classification: Uncertain significance for Cardiovascular phenotype. Last evaluated: 2025-06-30. Review status: criteria provided, single submitter. Criteria: Ambry Variant Classification Scheme 2023. Collection method: clinical testing. Allele origin: germline.
Comment: The p.S201F variant (also known as c.602C>T), located in coding exon 3 of the SNTA1 gene, results from a C to T substitution at nucleotide position 602. The serine at codon 201 is replaced by phenylalanine, an amino acid with highly dissimilar properties. This amino acid position is conserved. In addition, this alteration is predicted to be tolerated by in silico analysis. Since supporting evidence is limited at this time, the clinical significance of this alteration remains unclear.

Labcorp Genetics (formerly Invitae), Labcorp
Classification: Uncertain significance for Long QT syndrome. Last evaluated: 2023-12-21. Review status: criteria provided, single submitter. Criteria: Invitae Variant Classification Sherloc (09022015). Collection method: clinical testing. Allele origin: germline.
Comment: This sequence change replaces serine, which is neutral and polar, with phenylalanine, which is neutral and non-polar, at codon 201 of the SNTA1 protein (p.Ser201Phe). This variant is present in population databases (no rsID available, gnomAD 0.0009%). This variant has not been reported in the literature in individuals affected with SNTA1-related conditions. ClinVar contains an entry for this variant (Variation ID: 1751167). Advanced modeling of protein sequence and biophysical properties (such as structural, functional, and spatial information, amino acid conservation, physicochemical variation, residue mobility, and thermodynamic stability) performed at Invitae indicates that this missense variant is not expected to disrupt SNTA1 protein function with a negative predictive value of 80%. In summary, the available evidence is currently insufficient to determine the role of this variant in disease. Therefore, it has been classified as a Variant of Uncertain Significance.

NM_003098.3(SNTA1):c.602C>T (p.Ser201Phe)

Gene: SNTA1 (syntrophin alpha 1; minus strand). Cytogenetic location: 20q11.21.
Variant type: single nucleotide variant.
Coding change: c.602C>T on transcript NM_003098.3 (MANE Select); coding-DNA position 602, C replaced by T.
Protein change: p.Ser201Phe; replaces serine 201 with phenylalanine.
Molecular consequence: missense variant.
Genome position (GRCh38, 1-based): chr20:33,417,818, G>A on the plus strand (C>T on the coding strand, the complement: SNTA1 is on the minus strand). VCF-style: chr20-33417818-G-A. GRCh37 (hg19) VCF-style: chr20-32005624-G-A.
Other names: short protein forms S201F.
Identifiers: ClinVar variation 1751167 (VCV001751167.6), dbSNP rs1348837893, ClinGen allele CA408632563.